The following is an entry in ClinVar:

NM_000038.6(APC):c.922C>T (p.Leu308=)

Gene: APC (APC regulator of Wnt signaling pathway; plus strand). Cytogenetic location: 5q22.2.
Variant type: single nucleotide variant.
Coding change: c.922C>T on transcript NM_000038.6 (MANE Select); coding-DNA position 922, C replaced by T.
Protein change: p.Leu308=; no amino-acid change (leucine 308 retained).
Molecular consequence: synonymous variant.
Genome position (GRCh38, 1-based): chr5:112,815,582, C>T. VCF-style: chr5-112815582-C-T. GRCh37 (hg19) VCF-style: chr5-112151279-C-T.
Other names: c.922C>T, p.Leu308= (NM_001127510.3, NM_001354896.2, NM_001354895.2 and 1 more transcripts); c.868C>T, p.Leu290= (NM_001127511.3); c.952C>T, p.Leu318= (NM_001354897.2, NM_001354902.2); c.847C>T, p.Leu283= (NM_001354898.2, NM_001354904.2); c.838C>T, p.Leu280= (NM_001354899.2); c.745C>T, p.Leu249= (NM_001354900.2, NM_001354901.2, NM_001354905.2); c.73C>T, p.Leu25= (NM_001354906.2).
Identifiers: ClinVar variation 924284 (VCV000924284.9), dbSNP rs993695568, ClinGen allele CA124967245.

ClinVar aggregate classification (germline): Benign/Likely benign. Review status: criteria provided, multiple submitters, no conflicts (2 of 4 stars). 4 submissions from 4 submitters: Benign (1); Likely benign (3). Last evaluated 2025-12-03.

Conditions:
Hereditary cancer-predisposing syndrome. Also called: Neoplastic Syndromes, Hereditary; Tumor predisposition; Hereditary Cancer Syndrome; Hereditary neoplastic syndrome. Identifiers: Orphanet 140162, MedGen C0027672, MeSH D009386, MONDO:0015356.
Familial adenomatous polyposis 1 (FAP1). Also called: FAMILIAL ADENOMATOUS POLYPOSIS 1, ATTENUATED; POLYPOSIS, ADENOMATOUS INTESTINAL. Identifiers: MedGen C2713442, MONDO:0021056, OMIM 175100. Disease mechanism: loss of function.

Allele frequency attached by ClinVar (database versions not stated): gnomAD exomes below 0.00001; TOPMed below 0.00001.
gnomAD v4.1: 1 of 1,610,634 alleles (0.000062%); highest among the groups gnomAD compares: South Asian, 0.0011%; no homozygotes.

Submissions (4):

Labcorp Genetics (formerly Invitae), Labcorp
Classification: Likely benign for Familial adenomatous polyposis 1. Last evaluated: 2025-12-03. Review status: criteria provided, single submitter. Criteria: Invitae Variant Classification Sherloc (09022015). Collection method: clinical testing. Allele origin: germline.

Myriad Genetics, Inc.
Classification: Benign for Familial adenomatous polyposis 1. Last evaluated: 2024-02-27. Review status: criteria provided, single submitter. Criteria: Myriad Autosomal Dominant, Autosomal Recessive and X-Linked Classification Criteria (2023). Collection method: clinical testing. Allele origin: unknown.
Comment: This variant is considered benign. This variant is a silent/synonymous amino acid change and it is not expected to impact splicing.

Ambry Genetics
Classification: Likely benign for Hereditary cancer-predisposing syndrome. Last evaluated: 2019-10-17. Review status: criteria provided, single submitter. Criteria: Ambry Variant Classification Scheme 2023. Collection method: clinical testing. Allele origin: germline.

Color Diagnostics, LLC DBA Color Health
Classification: Likely benign for Hereditary cancer-predisposing syndrome. Last evaluated: 2019-06-25. Review status: criteria provided, single submitter. Criteria: ACMG Guidelines, 2015. Collection method: clinical testing. Allele origin: germline.